The following is an entry in ClinVar:

ClinVar aggregate classification (germline): Uncertain significance (1 of 4 stars; one submission).

Conditions:
Xanthinuria type II. Also called: Xanthine dehydrogenase and aldehyde oxidase combined deficiency of; XDH and AOX dual deficiency. Identifiers: Orphanet 3467, Orphanet 93602, MedGen C1863688, MONDO:0011346, OMIM 603592.

Allele frequency attached by ClinVar (database versions not stated): gnomAD 0.00001; gnomAD exomes 0.00002.
gnomAD v4.1: 28 of 1,613,858 alleles (0.0017%); highest among the groups gnomAD compares: South Asian, 0.0011%; no homozygotes.

Submission:

Labcorp Genetics (formerly Invitae), Labcorp
Classification: Uncertain significance for Xanthinuria type II. Last evaluated: 2026-01-12. Review status: criteria provided, single submitter. Criteria: Invitae Variant Classification Sherloc (09022015). Collection method: clinical testing. Allele origin: germline.
Comment: This sequence change replaces serine, which is neutral and polar, with leucine, which is neutral and non-polar, at codon 289 of the XDH protein (p.Ser289Leu). This variant is present in population databases (rs769203054, gnomAD 0.02%). This variant has not been reported in the literature in individuals affected with XDH-related conditions. ClinVar contains an entry for this variant (Variation ID: 2144081). An algorithm developed to predict the effect of missense changes on protein structure and function outputs the following: PolyPhen-2: "Benign". The leucine amino acid residue is found in multiple mammalian species, which suggests that this missense change does not adversely affect protein function. In summary, the available evidence is currently insufficient to determine the role of this variant in disease. Therefore, it has been classified as a Variant of Uncertain Significance.

NM_000379.4(XDH):c.866C>T (p.Ser289Leu)

Gene: XDH (xanthine dehydrogenase; minus strand). Cytogenetic location: 2p23.1.
Variant type: single nucleotide variant.
Coding change: c.866C>T on transcript NM_000379.4 (MANE Select); coding-DNA position 866, C replaced by T.
Protein change: p.Ser289Leu; replaces serine 289 with leucine.
Molecular consequence: missense variant.
Genome position (GRCh38, 1-based): chr2:31,383,775, G>A on the plus strand (C>T on the coding strand, the complement: XDH is on the minus strand). VCF-style: chr2-31383775-G-A. GRCh37 (hg19) VCF-style: chr2-31606641-G-A.
Other names: short protein forms S289L.
Identifiers: ClinVar variation 2144081 (VCV002144081.4), dbSNP rs769203054, ClinGen allele CA1599457.
Genomic context (GRCh38, chr2:31,383,775, plus strand): 5'-TCACAGCCCCTCCATAAGCTTGGAGTGAACCTCCTCTTACCGTCGGGTCCATGTTCTACC[G>A]AATTCAGCTCAGGGATCCAGGCTGGGCAGACAATCATAGGAAACAGCATATTCTTGAACT-3'
Protein context (NP_000370.2, residues 279-299): VCPAWIPELN[Ser289Leu]VEHGPDGISF